The following is an entry in ClinVar:

NM_004304.5(ALK):c.4184C>T (p.Thr1395Ile)

Gene: ALK (ALK receptor tyrosine kinase; minus strand). Cytogenetic location: 2p23.2.
Variant type: single nucleotide variant.
Coding change: c.4184C>T on transcript NM_004304.5 (MANE Select); coding-DNA position 4184, C replaced by T.
Protein change: p.Thr1395Ile; replaces threonine 1395 with isoleucine.
Molecular consequence: missense variant.
Genome position (GRCh38, 1-based): chr2:29,193,903, G>A on the plus strand (C>T on the coding strand, the complement: ALK is on the minus strand). VCF-style: chr2-29193903-G-A. GRCh37 (hg19) VCF-style: chr2-29416769-G-A.
Other names: c.980C>T, p.Thr327Ile (NM_001353765.2); short protein forms T1395I, T327I.
Identifiers: ClinVar variation 404348 (VCV000404348.6), dbSNP rs1060500220, ClinGen allele CA16610700.

ClinVar aggregate classification (germline): Uncertain significance (1 of 4 stars; one submission).

Conditions:
Neuroblastoma, susceptibility to, 3. Also called: ALK-Related Neuroblastic Tumor Susceptibility. Identifiers: Orphanet 635, MedGen C2751681, MONDO:0013083, OMIM 613014.

Allele frequency attached by ClinVar (database versions not stated): gnomAD exomes below 0.00001; TOPMed below 0.00001.
gnomAD v4.1: 4 of 1,614,046 alleles (0.00025%); highest among the groups gnomAD compares: African/African-American, 0.0027%; no homozygotes.

Submission:

Labcorp Genetics (formerly Invitae), Labcorp
Classification: Uncertain significance for Neuroblastoma, susceptibility to, 3. Last evaluated: 2021-09-10. Review status: criteria provided, single submitter. Criteria: Invitae Variant Classification Sherloc (09022015). Collection method: clinical testing. Allele origin: germline.
Comment: In summary, the available evidence is currently insufficient to determine the role of this variant in disease. Therefore, it has been classified as a Variant of Uncertain Significance. Algorithms developed to predict the effect of missense changes on protein structure and function are either unavailable or do not agree on the potential impact of this missense change (SIFT: "Deleterious"; PolyPhen-2: "Probably Damaging"; Align-GVGD: "Class C0"). This variant has not been reported in the literature in individuals affected with ALK-related conditions. This variant is not present in population databases (ExAC no frequency). This sequence change replaces threonine with isoleucine at codon 1395 of the ALK protein (p.Thr1395Ile). The threonine residue is highly conserved and there is a moderate physicochemical difference between threonine and isoleucine.